The following is an entry in ClinVar:

ClinVar aggregate classification (germline): Conflicting classifications of pathogenicity. Review status: criteria provided, conflicting classifications (1 of 4 stars). 2 submissions from 2 submitters: Likely pathogenic (1); Uncertain significance (1). Last evaluated 2023-03-28.

Conditions:
Werner syndrome (WRN). Identifiers: Orphanet 902, MedGen C0043119, MONDO:0010196, OMIM 277700.

Submissions (2):

Baylor Genetics
Classification: Uncertain significance for Werner syndrome. Last evaluated: 2023-03-28. Review status: criteria provided, single submitter. Criteria: ACMG Guidelines, 2015. Collection method: clinical testing. Allele origin: unknown.

Labcorp Genetics (formerly Invitae), Labcorp
Classification: Likely pathogenic for Werner syndrome. Last evaluated: 2022-12-14. Review status: criteria provided, single submitter. Criteria: Invitae Variant Classification Sherloc (09022015). Collection method: clinical testing. Allele origin: germline.
Comment: This sequence change affects a donor splice site in intron 10 of the WRN gene. It is expected to disrupt RNA splicing. Variants that disrupt the donor or acceptor splice site typically lead to a loss of protein function (PMID: 16199547), and loss-of-function variants in WRN are known to be pathogenic (PMID: 16673358). This variant is not present in population databases (gnomAD no frequency). This variant has not been reported in the literature in individuals affected with WRN-related conditions. ClinVar contains an entry for this variant (Variation ID: 1512286). Algorithms developed to predict the effect of sequence changes on RNA splicing suggest that this variant may disrupt the consensus splice site. In summary, the currently available evidence indicates that the variant is pathogenic, but additional data are needed to prove that conclusively. Therefore, this variant has been classified as Likely Pathogenic.

Literature cited by the submitters: PubMed 16199547 (cited by Labcorp Genetics (formerly Invitae), Labcorp); PubMed 16673358 (cited by Labcorp Genetics (formerly Invitae), Labcorp).

NM_000553.6(WRN):c.1350+1G>T

Gene: WRN (WRN RecQ like helicase; plus strand). Cytogenetic location: 8p12.
Variant type: single nucleotide variant.
Coding change: c.1350+1G>T on transcript NM_000553.6 (MANE Select); the canonical splice donor site of the intron after coding-DNA position 1350, G replaced by T.
Molecular consequence: splice donor variant.
Genome position (GRCh38, 1-based): chr8:31,083,780, G>T. VCF-style: chr8-31083780-G-T. GRCh37 (hg19) VCF-style: chr8-30941296-G-T.
Identifiers: ClinVar variation 1512286 (VCV001512286.9), dbSNP rs752202315, ClinGen allele CA370922975.